The following is an entry in ClinVar:

ClinVar aggregate classification (germline): Uncertain significance (1 of 4 stars; one submission).

Conditions:
Cardiomyopathy (CMYO). Also called: Cardiomyopathies. Identifiers: Orphanet 167848, MedGen C0878544, MONDO:0004994, HP:0001638. Inheritance: Various modes of inheritance.

Submission:

Color Diagnostics, LLC DBA Color Health
Classification: Uncertain significance for Cardiomyopathy. Last evaluated: 2023-05-01. Review status: criteria provided, single submitter. Criteria: ACMG Guidelines, 2015. Collection method: clinical testing. Allele origin: germline.
Comment: This missense variant replaces tyrosine with phenylalanine at codon 756 of the MYH7 protein. Computational prediction suggests that this variant may have deleterious impact on protein structure and function (internally defined REVEL score threshold >= 0.7, PMID: 27666373). To our knowledge, functional studies have not been reported for this variant. This variant has not been reported in individuals affected with MYH7-related disorders in the literature. This variant has not been identified in the general population by the Genome Aggregation Database (gnomAD). The available evidence is insufficient to determine the role of this variant in disease conclusively. Therefore, this variant is classified as a Variant of Uncertain Significance.

NM_000257.4(MYH7):c.2267A>T (p.Tyr756Phe)

Gene: MYH7 (myosin heavy chain 7; minus strand). Cytogenetic location: 14q11.2.
Variant type: single nucleotide variant.
Coding change: c.2267A>T on transcript NM_000257.4 (MANE Select); coding-DNA position 2267, A replaced by T.
Protein change: p.Tyr756Phe; replaces tyrosine 756 with phenylalanine.
Molecular consequence: missense variant.
Genome position (GRCh38, 1-based): chr14:23,425,714, T>A on the plus strand (A>T on the coding strand, the complement: MYH7 is on the minus strand). VCF-style: chr14-23425714-T-A. GRCh37 (hg19) VCF-style: chr14-23894923-T-A.
Other names: c.2267A>T, p.Tyr756Phe (NM_001407004.1); short protein forms Y756F.
Identifiers: ClinVar variation 2773950 (VCV002773950.2), dbSNP rs2502287949, ClinGen allele CA389048782.